The following is an entry in ClinVar:

NM_001308093.3(GATA4):c.100T>C (p.Ser34Pro)

Gene: GATA4 (GATA binding protein 4). Cytogenetic location: 8p23.1.
Variant type: single nucleotide variant.
Coding change: c.100T>C on transcript NM_001308093.3 (MANE Select); coding-DNA position 100, T replaced by C.
Protein change: p.Ser34Pro; replaces serine 34 with proline.
Molecular consequence: missense variant. On other transcripts: intron variant (3).
Genome position (GRCh38, 1-based): chr8:11,708,412, T>C. VCF-style: chr8-11708412-T-C. GRCh37 (hg19) VCF-style: chr8-11565921-T-C.
Other names: c.100T>C, p.Ser34Pro (NM_002052.5); c.-6+7634T>C (NM_001308094.2); c.-3+398T>C (NM_001374274.1); c.-3+4108T>C (NM_001374273.1); short protein forms S34P.
Identifiers: ClinVar variation 3766390 (VCV003766390.2).

ClinVar aggregate classification (germline): Uncertain significance (1 of 4 stars; one submission).

Submission:

GeneDx
Classification: Uncertain significance. Last evaluated: 2025-12-01. Review status: criteria provided, single submitter. Criteria: GeneDx Variant Classification Process June 2021. Collection method: clinical testing. Allele origin: germline.
Comment: Not observed at significant frequency in large population cohorts (gnomAD); In silico analysis supports that this missense variant has a deleterious effect on protein structure/function; Has not been previously published as pathogenic or benign to our knowledge